The following is an entry in ClinVar:

ClinVar aggregate classification (germline): Benign (1 of 4 stars; one submission).

Submission:

GeneDx
Classification: Benign. Last evaluated: 2018-06-14. Review status: criteria provided, single submitter. Criteria: GeneDx Variant Classification (06012015). Collection method: clinical testing. Allele origin: germline. Affected: yes.
Comment: This variant is considered likely benign or benign based on one or more of the following criteria: it is a conservative change, it occurs at a poorly conserved position in the protein, it is predicted to be benign by multiple in silico algorithms, and/or has population frequency not consistent with disease.

NM_152490.5(B3GALNT2):c.261-203del

Gene: B3GALNT2 (beta-1,3-N-acetylgalactosaminyltransferase 2; minus strand). Cytogenetic location: 1q42.3.
Variant type: Deletion.
Coding change: c.261-203del on transcript NM_152490.5 (MANE Select); 203 bases into the intron before coding-DNA position 261, one base deleted (A; older notation c.261-203delA).
Molecular consequence: intron variant.
Genome position (GRCh38, 1-based): chr1:235,489,471, T deleted on the plus strand (A on the coding strand, the reverse complement: B3GALNT2 is on the minus strand); the first of 2 consecutive T bases (chr1:235,489,471-235,489,472); deleting either gives the same sequence. VCF-style (leftmost placement, unchanged base first): chr1-235489470-CT-C. GRCh37 (hg19) VCF-style: chr1-235652775-CT-C.
Other names: c.384-203del (NM_001277155.3).
Identifiers: ClinVar variation 678121 (VCV000678121.1), dbSNP rs11299116, ClinGen allele CA39583107.